The following is an entry in ClinVar:

ClinVar aggregate classification (germline): Benign (1 of 4 stars; one submission).

Conditions:
Oroticaciduria. Also called: Orotic aciduria. Identifiers: Orphanet 30, MedGen C0268128, HP:0003218.

Allele frequency attached by ClinVar (database versions not stated): ExAC 0.00019; 1000 Genomes Project 30x 0.00312; gnomAD exomes 0.00082 and 0.00047; 1000 Genomes Project 0.00319; TOPMed 0.00438; gnomAD 0.00346 and 0.00372.

Submission:

Illumina Laboratory Services, Illumina
Classification: Benign for Hereditary orotic aciduria. Last evaluated: 2018-01-12. Review status: criteria provided, single submitter. Criteria: ICSL Variant Classification Criteria 13 December 2019. Collection method: clinical testing. Allele origin: germline.
Comment: This variant was observed in the ICSL laboratory as part of a predisposition screen in an ostensibly healthy population. It had not been previously curated by ICSL or reported in the Human Gene Mutation Database (HGMD: prior to June 1st, 2018), and was therefore a candidate for classification through an automated scoring system. Utilizing variant allele frequency, disease prevalence and penetrance estimates, and inheritance mode, an automated score was calculated to assess if this variant is too frequent to cause the disease. Based on the score and internal cut-off values, a variant classified as benign is not then subjected to further curation. The score for this variant resulted in a classification of benign for this disease.

NM_000373.4(UMPS):c.*4344T>C

Gene: UMPS (uridine monophosphate synthetase; plus strand). Cytogenetic location: 3q21.2.
Variant type: single nucleotide variant.
Coding change: c.*4344T>C on transcript NM_000373.4 (MANE Select); 4344 bases downstream of the stop codon, T replaced by C.
Molecular consequence: 3 prime UTR variant. On other transcripts: non-coding transcript variant (2).
Genome position (GRCh38, 1-based): chr3:124,748,428, T>C. VCF-style: chr3-124748428-T-C. GRCh37 (hg19) VCF-style: chr3-124467275-T-C.
Identifiers: ClinVar variation 343029 (VCV000343029.5), dbSNP rs180944864, ClinGen allele CA2582161.